The following is an entry in ClinVar:

NM_032888.4(COL27A1):c.2113C>T (p.Pro705Ser)

Gene: COL27A1 (collagen type XXVII alpha 1 chain; plus strand). Cytogenetic location: 9q32.
Variant type: single nucleotide variant.
Coding change: c.2113C>T on transcript NM_032888.4 (MANE Select); coding-DNA position 2113, C replaced by T.
Protein change: p.Pro705Ser; replaces proline 705 with serine.
Molecular consequence: missense variant.
Genome position (GRCh38, 1-based): chr9:114,196,001, C>T. VCF-style: chr9-114196001-C-T. GRCh37 (hg19) VCF-style: chr9-116958281-C-T.
Other names: short protein forms P705S.
Identifiers: ClinVar variation 716538 (VCV000716538.22), dbSNP rs139039113, ClinGen allele CA5201610.

ClinVar aggregate classification (germline): Benign/Likely benign. Review status: criteria provided, multiple submitters, no conflicts (2 of 4 stars). 5 submissions from 5 submitters: Benign (1); Likely benign (3). 1 of the submissions does not count toward it. Last evaluated 2025-09-08.

Conditions:
COL27A1-related disorder. Also called: COL27A1-related condition.
Steel syndrome (STLS). Identifiers: Orphanet 438117, MedGen C3554594, MONDO:0014061, OMIM 615155.

Allele frequency attached by ClinVar (database versions not stated): gnomAD exomes 0.00016 and 0.00071; gnomAD 0.00026 and 0.00035; TOPMed 0.00036; ExAC 0.00074; 1000 Genomes Project 30x 0.00219; 1000 Genomes Project 0.00240.
gnomAD v4.1: 352 of 1,614,096 alleles (0.022%); highest among the groups gnomAD compares: East Asian, 0.6%; 3 homozygotes.

Submissions (5):

Labcorp Genetics (formerly Invitae), Labcorp
Classification: Benign. Last evaluated: 2025-09-08. Review status: criteria provided, single submitter. Criteria: Invitae Variant Classification Sherloc (09022015). Collection method: clinical testing. Allele origin: germline.

CeGaT Center for Human Genetics Tuebingen
Classification: Likely benign. Last evaluated: 2025-09-01. Review status: criteria provided, single submitter. Criteria: CeGaT Center For Human Genetics Tuebingen Variant Classification Criteria Version 2. Collection method: clinical testing. Allele origin: germline. Affected: yes. Observed: 1 variant allele.
Comment: COL27A1: BS2

Blueprint Genetics
Classification: Likely benign. Last evaluated: 2024-11-01. Review status: criteria provided, single submitter. Criteria: ACMG Guidelines, 2015. Collection method: clinical testing. Allele origin: germline.

Fulgent Genetics
Classification: Likely benign for Steel syndrome. Last evaluated: 2022-03-11. Review status: criteria provided, single submitter. Criteria: ACMG Guidelines, 2015. Collection method: clinical testing. Allele origin: unknown.

PreventionGenetics, part of Exact Sciences
Classification: Benign for COL27A1-related condition. Last evaluated: 2022-06-13. Review status: no assertion criteria provided. Collection method: clinical testing. Allele origin: germline. Not counted in ClinVar's aggregate classification.
Comment: This variant is classified as benign based on ACMG/AMP sequence variant interpretation guidelines (Richards et al. 2015 PMID: 25741868, with internal and published modifications).